The following is an entry in ClinVar:

NM_001080517.3(SETD5):c.3448G>C (p.Gly1150Arg)

Gene: SETD5 (SET domain containing 5; plus strand). Cytogenetic location: 3p25.3.
Variant type: single nucleotide variant.
Coding change: c.3448G>C on transcript NM_001080517.3 (MANE Select); coding-DNA position 3448, G replaced by C.
Protein change: p.Gly1150Arg; replaces glycine 1150 with arginine.
Molecular consequence: missense variant.
Genome position (GRCh38, 1-based): chr3:9,473,488, G>C. VCF-style: chr3-9473488-G-C. GRCh37 (hg19) VCF-style: chr3-9515172-G-C.
Other names: c.3154G>C, p.Gly1052Arg (NM_001292043.2, NM_001349451.2); short protein forms G1150R, G1052R.
Identifiers: ClinVar variation 2991864 (VCV002991864.3), dbSNP rs2473897598, ClinGen allele CA351686536.

ClinVar aggregate classification (germline): Uncertain significance (1 of 4 stars; one submission).

Allele frequency attached by ClinVar (database versions not stated): gnomAD exomes below 0.00001.
gnomAD v4.1: 1 of 1,613,766 alleles (0.000062%); highest among the groups gnomAD compares: African/African-American, 0.0013%; no homozygotes.

Submission:

Labcorp Genetics (formerly Invitae), Labcorp
Classification: Uncertain significance. Last evaluated: 2024-01-08. Review status: criteria provided, single submitter. Criteria: Invitae Variant Classification Sherloc (09022015). Collection method: clinical testing. Allele origin: germline.
Comment: This sequence change replaces glycine, which is neutral and non-polar, with arginine, which is basic and polar, at codon 1150 of the SETD5 protein (p.Gly1150Arg). This variant is not present in population databases (gnomAD no frequency). This variant has not been reported in the literature in individuals affected with SETD5-related conditions. Advanced modeling of protein sequence and biophysical properties (such as structural, functional, and spatial information, amino acid conservation, physicochemical variation, residue mobility, and thermodynamic stability) performed at Invitae indicates that this missense variant is not expected to disrupt SETD5 protein function with a negative predictive value of 80%. In summary, the available evidence is currently insufficient to determine the role of this variant in disease. Therefore, it has been classified as a Variant of Uncertain Significance.